The following is an entry in ClinVar:

ClinVar aggregate classification (germline): Uncertain significance (1 of 4 stars; one submission).

Conditions:
Severe X-linked myotubular myopathy (CNMX). Also called: MYOTUBULAR MYOPATHY 1; X-linked centronuclear myopathy; Myotubular myopathy, X-linked. Identifiers: Orphanet 596, MedGen C0410203, MONDO:0010683, OMIM 310400.

Allele frequency attached by ClinVar (database versions not stated): gnomAD exomes below 0.00001; gnomAD 0.00002; TOPMed 0.00003.
gnomAD v4.1: 7 of 1,203,881 alleles (0.00058%); highest among the groups gnomAD compares: Non-Finnish European, 0.00079%; no homozygotes.

Submission:

Labcorp Genetics (formerly Invitae), Labcorp
Classification: Uncertain significance for Severe X-linked myotubular myopathy. Last evaluated: 2025-11-03. Review status: criteria provided, single submitter. Criteria: Invitae Variant Classification Sherloc (09022015). Collection method: clinical testing. Allele origin: germline.
Comment: This sequence change replaces isoleucine, which is neutral and non-polar, with threonine, which is neutral and polar, at codon 93 of the MTM1 protein (p.Ile93Thr). This variant is not present in population databases (gnomAD no frequency). This variant has not been reported in the literature in individuals affected with MTM1-related conditions. ClinVar contains an entry for this variant (Variation ID: 1393496). Invitae Evidence Modeling of protein sequence and biophysical properties (such as structural, functional, and spatial information, amino acid conservation, physicochemical variation, residue mobility, and thermodynamic stability) indicates that this missense variant is expected to disrupt MTM1 protein function with a positive predictive value of 95%. In summary, the available evidence is currently insufficient to determine the role of this variant in disease. Therefore, it has been classified as a Variant of Uncertain Significance.

NM_000252.3(MTM1):c.278T>C (p.Ile93Thr)

Gene: MTM1 (myotubularin 1; plus strand). Cytogenetic location: Xq28.
Variant type: single nucleotide variant.
Coding change: c.278T>C on transcript NM_000252.3 (MANE Select); coding-DNA position 278, T replaced by C.
Protein change: p.Ile93Thr; replaces isoleucine 93 with threonine.
Molecular consequence: missense variant. On other transcripts: intron variant (1).
Genome position (GRCh38, 1-based): chrX:150,614,635, T>C. VCF-style: chrX-150614635-T-C. GRCh37 (hg19) VCF-style: chrX-149783108-T-C.
Other names: c.278T>C, p.Ile93Thr (NM_001376906.1, NM_001376908.1); c.232-4403T>C (NM_001376907.1); short protein forms I93T.
Identifiers: ClinVar variation 1393496 (VCV001393496.5), dbSNP rs199821243, ClinGen allele CA337090990.